The following is an entry in ClinVar:

NM_001167.4(XIAP):c.1317_1318delinsAT (p.Gln440Ter)

Gene: XIAP (X-linked inhibitor of apoptosis; plus strand). Cytogenetic location: Xq25.
Variant type: Indel.
Coding change: c.1317_1318delinsAT on transcript NM_001167.4 (MANE Select); coding-DNA positions 1317 to 1318, GC replaced by AT.
Protein change: p.Gln440Ter; replaces glutamine 440 with a stop codon.
Molecular consequence: nonsense. On other transcripts: non-coding transcript variant (2).
Genome position (GRCh38, 1-based): chrX:123,907,004-123,907,005, GC replaced by AT. VCF-style: chrX-123907004-GC-AT. GRCh37 (hg19) VCF-style: chrX-123040854-GC-AT.
Other names: c.1317_1318delinsAT, p.Gln440Ter (NM_001204401.2, NM_001378590.1, NM_001378591.1 and 1 more transcripts); short protein forms Q440*.
Identifiers: ClinVar variation 1487097 (VCV001487097.8), dbSNP rs2148112156, ClinGen allele CA2573159221.

ClinVar aggregate classification (germline): Likely pathogenic (1 of 4 stars; one submission).

Conditions:
X-linked lymphoproliferative disease due to XIAP deficiency. Also called: XIAP DEFICIENCY; XIAP-Related Lymphoproliferative Disease, X-Linked. Identifiers: Orphanet 2442, Orphanet 538934, MedGen C1845076, MONDO:0010385, OMIM 300635.

Submission:

Labcorp Genetics (formerly Invitae), Labcorp
Classification: Likely pathogenic for X-linked lymphoproliferative disease due to XIAP deficiency. Last evaluated: 2021-03-08. Review status: criteria provided, single submitter. Criteria: Invitae Variant Classification Sherloc (09022015). Collection method: clinical testing. Allele origin: germline.
Comment: In summary, the currently available evidence indicates that the variant is pathogenic, but additional data are needed to prove that conclusively. Therefore, this variant has been classified as Likely Pathogenic. This variant disrupts the C-terminus of the XIAP protein. Other variant(s) that disrupt this region (p.Gly466*, p.Gln492*, p.Phe462Leufs*7) have been observed in individuals with XIAP-related conditions (PMID: 21543760, 27815752, 23973892). This suggests that this may be a clinically significant region of the protein. This variant has not been reported in the literature in individuals with XIAP-related conditions. The frequency data for this variant in the population databases is not available, as this variant may be reported as separate entries in the ExAC database. This sequence change creates a premature translational stop signal (p.Gln440*) in the XIAP gene. While this is not anticipated to result in nonsense mediated decay, it is expected to disrupt the last 58 amino acid(s) of the XIAP protein.

Literature cited by the submitters: PubMed 21543760; PubMed 27815752; PubMed 23973892.